The following is an entry in ClinVar:

NM_018263.6(ASXL2):c.2611T>C (p.Ser871Pro)

Gene: ASXL2 (ASXL transcriptional regulator 2; minus strand). Cytogenetic location: 2p23.3.
Variant type: single nucleotide variant.
Coding change: c.2611T>C on transcript NM_018263.6 (MANE Select); coding-DNA position 2611, T replaced by C.
Protein change: p.Ser871Pro; replaces serine 871 with proline.
Molecular consequence: missense variant.
Genome position (GRCh38, 1-based): chr2:25,743,726, A>G on the plus strand (T>C on the coding strand, the complement: ASXL2 is on the minus strand). VCF-style: chr2-25743726-A-G. GRCh37 (hg19) VCF-style: chr2-25966595-A-G.
Other names: c.2611T>C (NM_018263.4); c.2437T>C, p.Ser813Pro (NM_001369346.1); c.1831T>C, p.Ser611Pro (NM_001369347.1); short protein forms S611P, S813P, S871P.
Identifiers: ClinVar variation 1523633 (VCV001523633.17), dbSNP rs779559617, ClinGen allele CA1557606.

ClinVar aggregate classification (germline): Likely benign. Review status: criteria provided, multiple submitters, no conflicts (2 of 4 stars). 3 submissions from 3 submitters: Likely benign (3). Last evaluated 2026-04-01.

Conditions:
Inborn genetic diseases. Identifiers: MedGen C0950123, MeSH D030342.

Allele frequency attached by ClinVar (database versions not stated): ExAC 0.00003; gnomAD 0.00003; TOPMed 0.00004; gnomAD exomes 0.00005 and 0.00006.
gnomAD v4.1: 85 of 1,613,868 alleles (0.0053%); highest among the groups gnomAD compares: Non-Finnish European, 0.007%; 1 homozygote.

Submissions (3):

CeGaT Center for Human Genetics Tuebingen
Classification: Likely benign. Last evaluated: 2026-04-01. Review status: criteria provided, single submitter. Criteria: CeGaT Center For Human Genetics Tuebingen Variant Classification Criteria Version 2. Collection method: clinical testing. Allele origin: germline. Affected: yes. Observed: 3 variant alleles.
Comment: ASXL2: BP4, BS2

Labcorp Genetics (formerly Invitae), Labcorp
Classification: Likely benign. Last evaluated: 2026-01-07. Review status: criteria provided, single submitter. Criteria: Invitae Variant Classification Sherloc (09022015). Collection method: clinical testing. Allele origin: germline.

Ambry Genetics
Classification: Likely benign for Inborn genetic diseases. Last evaluated: 2024-12-17. Review status: criteria provided, single submitter. Criteria: Ambry Variant Classification Scheme 2023. Collection method: clinical testing. Allele origin: germline.